The following is an entry in ClinVar:

ClinVar aggregate classification (germline): Likely benign (1 of 4 stars; one submission).

Allele frequency attached by ClinVar (database versions not stated): TOPMed 0.00001; gnomAD 0.00007; gnomAD exomes 0.00009; ExAC 0.00019.
gnomAD v4.1: 134 of 1,598,468 alleles (0.0084%); highest among the groups gnomAD compares: South Asian, 0.13%; no homozygotes.

Submission:

CeGaT Center for Human Genetics Tuebingen
Classification: Likely benign. Last evaluated: 2022-08-01. Review status: criteria provided, single submitter. Criteria: CeGaT Center For Human Genetics Tuebingen Variant Classification Criteria Version 2. Collection method: clinical testing. Allele origin: germline. Affected: yes. Observed: 1 variant allele.
Comment: CELSR2: BP4, BP7

NM_001408.3(CELSR2):c.4728C>T (p.Asn1576=)

Gene: CELSR2 (cadherin EGF LAG seven-pass G-type receptor 2; plus strand). Cytogenetic location: 1p13.3.
Variant type: single nucleotide variant.
Coding change: c.4728C>T on transcript NM_001408.3 (MANE Select); coding-DNA position 4728, C replaced by T.
Protein change: p.Asn1576=; no amino-acid change (asparagine 1576 retained).
Molecular consequence: synonymous variant.
Genome position (GRCh38, 1-based): chr1:109,263,161, C>T. VCF-style: chr1-109263161-C-T. GRCh37 (hg19) VCF-style: chr1-109805783-C-T.
Identifiers: ClinVar variation 2638971 (VCV002638971.24), dbSNP rs549652441, ClinGen allele CA987317.